The following is an entry in ClinVar:

NM_015559.3(SETBP1):c.2258C>G (p.Ser753Cys)

Gene: SETBP1 (SET binding protein 1; plus strand). Cytogenetic location: 18q12.3.
Variant type: single nucleotide variant.
Coding change: c.2258C>G on transcript NM_015559.3 (MANE Select); coding-DNA position 2258, C replaced by G.
Protein change: p.Ser753Cys; replaces serine 753 with cysteine.
Molecular consequence: missense variant.
Genome position (GRCh38, 1-based): chr18:44,951,598, C>G. VCF-style: chr18-44951598-C-G. GRCh37 (hg19) VCF-style: chr18-42531563-C-G.
Other names: c.2258C>G, p.Ser753Cys (NM_001379141.1, NM_001379142.1, NM_001410862.1); short protein forms S753C.
Identifiers: ClinVar variation 1707942 (VCV001707942.2), dbSNP rs2511471117, ClinGen allele CA402320741.

ClinVar aggregate classification (germline): Uncertain significance (1 of 4 stars; one submission).

Submission:

GeneDx
Classification: Uncertain significance. Last evaluated: 2022-04-01. Review status: criteria provided, single submitter. Criteria: GeneDx Variant Classification Process June 2021. Collection method: clinical testing. Allele origin: germline. Affected: yes.
Comment: Not observed at significant frequency in large population cohorts (gnomAD); In silico analysis supports that this missense variant has a deleterious effect on protein structure/function; Has not been previously published as pathogenic or benign to our knowledge